The following is an entry in ClinVar:

ClinVar aggregate classification (germline): Benign/Likely benign. Review status: criteria provided, multiple submitters, no conflicts (2 of 4 stars). 3 submissions from 3 submitters: Benign (1); Likely benign (2). Last evaluated 2026-01-31.

Conditions:
Hereditary pulmonary alveolar proteinosis. Also called: Pulmonary surfactant metabolism dysfunction. Identifiers: Orphanet 264675, MedGen C3711368, MONDO:0012580.

Allele frequency attached by ClinVar (database versions not stated): gnomAD exomes 0.00009; 1000 Genomes Project 30x 0.00078; TOPMed 0.00107; ExAC 0.00030; 1000 Genomes Project 0.00080; gnomAD 0.00091; ESP Exome Variant Server 0.00115.
gnomAD v4.1: 277 of 1,613,770 alleles (0.017%); highest among the groups gnomAD compares: African/African-American, 0.33%; 1 homozygote.

Submissions (3):

Labcorp Genetics (formerly Invitae), Labcorp
Classification: Benign. Last evaluated: 2026-01-31. Review status: criteria provided, single submitter. Criteria: Invitae Variant Classification Sherloc (09022015). Collection method: clinical testing. Allele origin: germline.

GeneDx
Classification: Likely benign. Last evaluated: 2020-04-09. Review status: criteria provided, single submitter. Criteria: GeneDx Variant Classification Process June 2021. Collection method: clinical testing. Allele origin: germline. Affected: yes.
Comment: See Variant Classification Assertion Criteria.

Ambry Genetics
Classification: Likely benign for Hereditary pulmonary alveolar proteinosis. Last evaluated: 2019-05-10. Review status: criteria provided, single submitter. Criteria: Ambry Variant Classification Scheme 2023. Collection method: clinical testing. Allele origin: germline.

NM_001089.3(ABCA3):c.1722C>T (p.Thr574=)

Gene: ABCA3 (ATP binding cassette subfamily A member 3; minus strand). Cytogenetic location: 16p13.3.
Variant type: single nucleotide variant.
Coding change: c.1722C>T on transcript NM_001089.3 (MANE Select); coding-DNA position 1722, C replaced by T.
Protein change: p.Thr574=; no amino-acid change (threonine 574 retained).
Molecular consequence: synonymous variant.
Genome position (GRCh38, 1-based): chr16:2,299,422, G>A on the plus strand (C>T on the coding strand, the complement: ABCA3 is on the minus strand). VCF-style: chr16-2299422-G-A. GRCh37 (hg19) VCF-style: chr16-2349423-G-A.
Identifiers: ClinVar variation 1707342 (VCV001707342.7), dbSNP rs138939503, ClinGen allele CA7841130.